The following is an entry in ClinVar:

ClinVar aggregate classification (germline): Benign. Review status: criteria provided, multiple submitters, no conflicts (2 of 4 stars). 8 submissions from 7 submitters: Benign (8). Last evaluated 2026-02-04.

Conditions:
Junctional epidermolysis bullosa. Identifiers: Orphanet 305, MedGen C0079301, MONDO:0017612.
Junctional epidermolysis bullosa, non-Herlitz type. Also called: EPIDERMOLYSIS BULLOSA JUNCTIONALIS, DISENTIS TYPE; EPIDERMOLYSIS BULLOSA JUNCTIONALIS, NON-HERLITZ TYPE; EPIDERMOLYSIS BULLOSA JUNCTIONALIS, PROGRESSIVE; EPIDERMOLYSIS BULLOSA JUNCTIONALIS, SEVERE NONLETHAL; COL17A1-Related Junctional Epidermolysis Bullosa; Adult junctional epidermolysis bullosa. Identifiers: Orphanet 251393, Orphanet 79402, Orphanet 79405, Orphanet 89840, MedGen C0268374, MONDO:0009180, OMIM 226650.
Junctional epidermolysis bullosa gravis of Herlitz. Also called: EPIDERMOLYSIS BULLOSA JUNCTIONALIS, HERLITZ TYPE; EPIDERMOLYSIS BULLOSA, JUNCTIONAL, HERLITZ-PEARSON TYPE; Epidermolysis Bullosa Letalis; JEB-HERLITZ TYPE; EPIDERMOLYSIS BULLOSA, JUNCTIONAL 1B, SEVERE; Herlitz-type junctional epidermolysis bullosa. Identifiers: Orphanet 79404, MedGen C0079683, MONDO:0009182, OMIM 226700.

Allele frequency attached by ClinVar (database versions not stated): ESP Exome Variant Server 0.24612; gnomAD 0.25575 and 0.25829; ExAC 0.25662; TOPMed 0.27115; 1000 Genomes Project 0.31390; 1000 Genomes Project 30x 0.32027.
gnomAD v4.1: 344,684 of 1,612,612 alleles (21%); highest among the groups gnomAD compares: African/African-American, 39%; 41,509 homozygotes.

Submissions (8):

Labcorp Genetics (formerly Invitae), Labcorp
Classification: Benign. Last evaluated: 2026-02-04. Review status: criteria provided, single submitter. Criteria: Invitae Variant Classification Sherloc (09022015). Collection method: clinical testing. Allele origin: germline.

Blueprint Genetics
Classification: Benign. Last evaluated: 2024-11-26. Review status: criteria provided, single submitter. Criteria: ACMG Guidelines, 2015. Collection method: clinical testing. Allele origin: germline.

GeneDx
Classification: Benign. Last evaluated: 2021-10-27. Review status: criteria provided, single submitter. Criteria: GeneDx Variant Classification Process June 2021. Collection method: clinical testing. Allele origin: germline. Affected: yes.
Comment: This variant is associated with the following publications: (PMID: 15370542)

Genome-Nilou Lab
Classification: Benign for Junctional epidermolysis bullosa gravis of Herlitz. Last evaluated: 2021-07-08. Review status: criteria provided, single submitter. Criteria: ACMG Guidelines, 2015. Collection method: clinical testing. Allele origin: germline. Affected: no.

Genome-Nilou Lab
Classification: Benign for Junctional epidermolysis bullosa, non-Herlitz type. Last evaluated: 2021-07-08. Review status: criteria provided, single submitter. Criteria: ACMG Guidelines, 2015. Collection method: clinical testing. Allele origin: germline. Affected: no.

Illumina Laboratory Services, Illumina
Classification: Benign for Junctional epidermolysis bullosa. Last evaluated: 2018-01-13. Review status: criteria provided, single submitter. Criteria: ICSL Variant Classification Criteria 13 December 2019. Collection method: clinical testing. Allele origin: germline.
Comment: This variant was observed in the ICSL laboratory as part of a predisposition screen in an ostensibly healthy population. It had not been previously curated by ICSL or reported in the Human Gene Mutation Database (HGMD: prior to June 1st, 2018), and was therefore a candidate for classification through an automated scoring system. Utilizing variant allele frequency, disease prevalence and penetrance estimates, and inheritance mode, an automated score was calculated to assess if this variant is too frequent to cause the disease. Based on the score and internal cut-off values, a variant classified as benign is not then subjected to further curation. The score for this variant resulted in a classification of benign for this disease.

Breakthrough Genomics
Classification: Benign. Review status: criteria provided, single submitter. Criteria: ACMG Guidelines, 2015. Collection method: not provided. Allele origin: germline. Inheritance: Autosomal recessive inheritance. Affected: yes.

PreventionGenetics, part of Exact Sciences
Classification: Benign. Review status: criteria provided, single submitter. Criteria: ACMG Guidelines, 2015. Collection method: clinical testing. Allele origin: germline.

NM_005562.3(LAMC2):c.483C>T (p.Val161=)

Gene: LAMC2 (laminin subunit gamma 2; plus strand). Cytogenetic location: 1q25.3.
Variant type: single nucleotide variant.
Coding change: c.483C>T on transcript NM_005562.3 (MANE Select); coding-DNA position 483, C replaced by T.
Protein change: p.Val161=; no amino-acid change (valine 161 retained).
Molecular consequence: synonymous variant.
Genome position (GRCh38, 1-based): chr1:183,218,468, C>T. VCF-style: chr1-183218468-C-T. GRCh37 (hg19) VCF-style: chr1-183187603-C-T.
Other names: c.483C>T, p.Val161= (NM_018891.3).
Identifiers: ClinVar variation 259789 (VCV000259789.20), dbSNP rs1129723, ClinGen allele CA1282342.